The following is an entry in ClinVar:

ClinVar aggregate classification (germline): Conflicting classifications of pathogenicity. Review status: criteria provided, conflicting classifications (1 of 4 stars). 8 submissions from 8 submitters: Uncertain significance (6); Likely benign (1). 1 of the submissions does not count toward it. Last evaluated 2026-07-01.

Conditions:
Mitochondrial neurogastrointestinal encephalomyopathy. Also called: Mitochondrial neurogastrointestinal encephalopathy syndrome; MNGIE syndrome; Thymidine phosphorylase deficiency. Identifiers: Orphanet 298, MedGen C0872218, MONDO:0017575.
Mitochondrial DNA depletion syndrome 1. Also called: Mitochondrial Neurogastrointestinal Encephalopathy Disease; MITOCHONDRIAL NEUROGASTROINTESTINAL ENCEPHALOPATHY SYNDROME, TYMP-RELATED; MNGIE, TYMP-RELATED; Mitochondrial DNA depletion syndrome 1 (MNGIE type); Mitochondrial neurogastrointestinal encephalomyopathy syndrome; POLIP SYNDROME. Identifiers: Orphanet 298, MedGen C4551995, MONDO:0011283, OMIM 603041.

Allele frequency attached by ClinVar (database versions not stated): ESP Exome Variant Server 0.00031; TOPMed 0.00038; ExAC 0.00040; gnomAD 0.00040 and 0.00044; gnomAD exomes 0.00040.

Submissions (8):

CeGaT Center for Human Genetics Tuebingen
Classification: Likely benign. Last evaluated: 2026-07-01. Review status: criteria provided, single submitter. Criteria: CeGaT Center For Human Genetics Tuebingen Variant Classification Criteria Version 2. Collection method: clinical testing. Allele origin: germline. Affected: yes. Observed: 1 variant allele.
Comment: TYMP: BS2

GeneDx
Classification: Uncertain significance. Last evaluated: 2025-02-03. Review status: criteria provided, single submitter. Criteria: GeneDx Variant Classification Process June 2021. Collection method: clinical testing. Allele origin: germline. Affected: yes.
Comment: Has not been previously published as pathogenic or benign to our knowledge; In silico analysis supports that this missense variant has a deleterious effect on protein structure/function

Labcorp Genetics (formerly Invitae), Labcorp
Classification: Uncertain significance. Last evaluated: 2024-12-09. Review status: criteria provided, single submitter. Criteria: Invitae Variant Classification Sherloc (09022015). Collection method: clinical testing. Allele origin: germline.
Comment: This sequence change replaces alanine, which is neutral and non-polar, with valine, which is neutral and non-polar, at codon 134 of the TYMP protein (p.Ala134Val). This variant is present in population databases (rs199901350, gnomAD 0.1%). This variant has not been reported in the literature in individuals affected with TYMP-related conditions. ClinVar contains an entry for this variant (Variation ID: 215330). Invitae Evidence Modeling of protein sequence and biophysical properties (such as structural, functional, and spatial information, amino acid conservation, physicochemical variation, residue mobility, and thermodynamic stability) has been performed for this missense variant. However, the output from this modeling did not meet the statistical confidence thresholds required to predict the impact of this variant on TYMP protein function. In summary, the available evidence is currently insufficient to determine the role of this variant in disease. Therefore, it has been classified as a Variant of Uncertain Significance.

Blueprint Genetics
Classification: Uncertain significance. Last evaluated: 2024-11-25. Review status: criteria provided, single submitter. Criteria: ACMG Guidelines, 2015. Collection method: clinical testing. Allele origin: germline.

Mayo Clinic Laboratories, Mayo Clinic
Classification: Uncertain significance. Last evaluated: 2022-09-15. Review status: criteria provided, single submitter. Criteria: ACMG Guidelines, 2015. Collection method: clinical testing. Allele origin: germline. Observed: 5 variant alleles.

Fulgent Genetics
Classification: Uncertain significance for Mitochondrial DNA depletion syndrome 1. Last evaluated: 2021-12-11. Review status: criteria provided, single submitter. Criteria: ACMG Guidelines, 2015. Collection method: clinical testing. Allele origin: unknown.

Illumina Laboratory Services, Illumina
Classification: Uncertain significance for Mitochondrial DNA depletion syndrome 1. Last evaluated: 2018-01-13. Review status: criteria provided, single submitter. Criteria: ICSL Variant Classification Criteria 13 December 2019. Collection method: clinical testing. Allele origin: germline.

Natera, Inc.
Classification: Uncertain significance for Mitochondrial neurogastrointestinal encephalomyopathy. Last evaluated: 2019-11-11. Review status: no assertion criteria provided. Collection method: clinical testing. Allele origin: germline. Not counted in ClinVar's aggregate classification.

NM_001953.5(TYMP):c.401C>T (p.Ala134Val)

Gene: TYMP (thymidine phosphorylase; minus strand). Cytogenetic location: 22q13.33.
Variant type: single nucleotide variant.
Coding change: c.401C>T on transcript NM_001953.5 (MANE Select); coding-DNA position 401, C replaced by T.
Protein change: p.Ala134Val; replaces alanine 134 with valine.
Molecular consequence: missense variant.
Genome position (GRCh38, 1-based): chr22:50,529,152, G>A on the plus strand (C>T on the coding strand, the complement: TYMP is on the minus strand). VCF-style: chr22-50529152-G-A. GRCh37 (hg19) VCF-style: chr22-50967581-G-A.
Other names: c.401C>T, p.Ala134Val (LRG_727t2, LRG_727t1, NM_001113755.3 and 3 more transcripts); short protein forms A134V.
Identifiers: ClinVar variation 215330 (VCV000215330.23), dbSNP rs199901350, ClinGen allele CA324943.
Genomic context (GRCh38, chr22:50,529,152, plus strand): 5'-ATGTGCGGTATAGGCTCCCGTCTGGAAAGGAGGTGGTTTCTAACCTTGCAGCCACATGCC[G>A]CCAGGGCAGGTGCGAGGACCAGGCTGACCTTGTCACCCACACCCCCTGTGGAATGCTTGT-3'
Protein context (NP_001944.1, residues 124-144): KVSLVLAPAL[Ala134Val]ACGCKVPMIS